The following is an entry in ClinVar:

NM_032242.4(PLXNA1):c.1470C>T (p.Leu490=)

Gene: PLXNA1 (plexin A1; plus strand). Cytogenetic location: 3q21.3.
Variant type: single nucleotide variant.
Coding change: c.1470C>T on transcript NM_032242.4 (MANE Select); coding-DNA position 1470, C replaced by T.
Protein change: p.Leu490=; no amino-acid change (leucine 490 retained).
Molecular consequence: synonymous variant.
Genome position (GRCh38, 1-based): chr3:127,003,422, C>T. VCF-style: chr3-127003422-C-T. GRCh37 (hg19) VCF-style: chr3-126722265-C-T.
Other names: c.1470C>T (NM_032242.3).
Identifiers: ClinVar variation 2654099 (VCV002654099.24), dbSNP rs759004029, ClinGen allele CA2593251.
Genomic context (GRCh38, chr3:127,003,422, plus strand): 5'-GCCTGCCCTGGCCTACGAGAGCGTCGTGGCCCAGGAGGGCAGCCCCATCCTGCGAGACCT[C>T]GTCCTCAGCCCCAACCACCAGTACCTCTACGCCATGACCGAGAAGCAGGTGGGTGCTGCA-3'
Protein context (NP_115618.3, residues 480-500): AQEGSPILRD[Leu490=]VLSPNHQYLY

ClinVar aggregate classification (germline): Likely benign. Review status: criteria provided, single submitter (1 of 4 stars). 2 submissions from 2 submitters: Likely benign (1). 1 of the submissions does not count toward it. Last evaluated 2022-10-01.

Conditions:
PLXNA1-related disorder. Also called: PLXNA1-related condition.

Allele frequency attached by ClinVar (database versions not stated): ExAC 0.00001.
gnomAD v4.1: 12 of 1,612,326 alleles (0.00074%); highest among the groups gnomAD compares: East Asian, 0.0022%; no homozygotes.

Submissions (2):

CeGaT Center for Human Genetics Tuebingen
Classification: Likely benign. Last evaluated: 2022-10-01. Review status: criteria provided, single submitter. Criteria: CeGaT Center For Human Genetics Tuebingen Variant Classification Criteria Version 2. Collection method: clinical testing. Allele origin: germline. Affected: yes. Observed: 1 variant allele.
Comment: PLXNA1: BP4, BP7

PreventionGenetics, part of Exact Sciences
Classification: Likely benign for PLXNA1-related condition. Last evaluated: 2023-11-27. Review status: no assertion criteria provided. Collection method: clinical testing. Allele origin: germline. Not counted in ClinVar's aggregate classification.
Comment: This variant is classified as likely benign based on ACMG/AMP sequence variant interpretation guidelines (Richards et al. 2015 PMID: 25741868, with internal and published modifications).